The following is an entry in ClinVar:

ClinVar aggregate classification (germline): Uncertain significance. Review status: criteria provided, multiple submitters, no conflicts (2 of 4 stars). 2 submissions from 2 submitters: Uncertain significance (2). Last evaluated 2022-07-18.

Conditions:
Mucopolysaccharidosis type 7 (MPS7). Also called: BETA-GLUCURONIDASE DEFICIENCY; SLY SYNDROME; GUSB DEFICIENCY; MPS VII. Identifiers: Orphanet 584, MedGen C0085132, MONDO:0009662, OMIM 253220.

Allele frequency attached by ClinVar (database versions not stated): gnomAD exomes 0.00003 and 0.00005; ExAC 0.00005; ESP Exome Variant Server 0.00008; gnomAD 0.00014 and 0.00015; TOPMed 0.00023.
gnomAD v4.1: 57 of 1,610,452 alleles (0.0035%); highest among the groups gnomAD compares: African/African-American, 0.07%; no homozygotes.

Submissions (2):

Labcorp Genetics (formerly Invitae), Labcorp
Classification: Uncertain significance for Mucopolysaccharidosis type 7. Last evaluated: 2022-07-18. Review status: criteria provided, single submitter. Criteria: Invitae Variant Classification Sherloc (09022015). Collection method: clinical testing. Allele origin: germline.
Comment: This sequence change replaces aspartic acid, which is acidic and polar, with asparagine, which is neutral and polar, at codon 53 of the GUSB protein (p.Asp53Asn). This variant is present in population databases (rs371314015, gnomAD 0.05%). This variant has not been reported in the literature in individuals affected with GUSB-related conditions. ClinVar contains an entry for this variant (Variation ID: 1046222). Algorithms developed to predict the effect of missense changes on protein structure and function output the following: SIFT: "Tolerated"; PolyPhen-2: "Benign"; Align-GVGD: "Class C0". The asparagine amino acid residue is found in multiple mammalian species, which suggests that this missense change does not adversely affect protein function. In summary, the available evidence is currently insufficient to determine the role of this variant in disease. Therefore, it has been classified as a Variant of Uncertain Significance.

Fulgent Genetics
Classification: Uncertain significance for Mucopolysaccharidosis type 7. Last evaluated: 2021-11-30. Review status: criteria provided, single submitter. Criteria: ACMG Guidelines, 2015. Collection method: clinical testing. Allele origin: unknown.

NM_000181.4(GUSB):c.157G>A (p.Asp53Asn)

Gene: GUSB (glucuronidase beta; minus strand). Cytogenetic location: 7q11.21.
Variant type: single nucleotide variant.
Coding change: c.157G>A on transcript NM_000181.4 (MANE Select); coding-DNA position 157, G replaced by A.
Protein change: p.Asp53Asn; replaces aspartic acid 53 with asparagine.
Molecular consequence: missense variant. On other transcripts: 5 prime UTR variant (2), non-coding transcript variant (1).
Genome position (GRCh38, 1-based): chr7:65,982,027, C>T on the plus strand (G>A on the coding strand, the complement: GUSB is on the minus strand). VCF-style: chr7-65982027-C-T. GRCh37 (hg19) VCF-style: chr7-65447014-C-T.
Other names: c.157G>A, p.Asp53Asn (NM_001284290.2); c.-229G>A (NM_001293104.2); c.-173G>A (NM_001293105.2); short protein forms D53N.
Identifiers: ClinVar variation 1046222 (VCV001046222.7), dbSNP rs371314015, ClinGen allele CA4276740.
Genomic context (GRCh38, chr7:65,982,027, plus strand): 5'-ATCGCACCTCCCACAGCGGCCGCCGGTACCACTGCTCCTCGAAGCCCCGGCGTCGGTTGT[C>T]AGAGAAGTCGGCGCGGAAGCTCCAGAGGCCGTCCAGCTCCTTGCACTCCCGCGACGGGCT-3'
Protein context (NP_000172.2, residues 43-63): GLWSFRADFS[Asp53Asn]NRRRGFEEQW